The following is an entry in ClinVar:

ClinVar aggregate classification (germline): Pathogenic. Review status: reviewed by expert panel (3 of 4 stars). 11 submissions from 11 submitters: Pathogenic (1). 10 of the submissions do not count toward it. Last evaluated 2016-09-08.

Conditions:
Hereditary cancer-predisposing syndrome. Also called: Hereditary Cancer Syndrome; Hereditary neoplastic syndrome; Neoplastic Syndromes, Hereditary; Tumor predisposition. Identifiers: Orphanet 140162, MedGen C0027672, MeSH D009386, MONDO:0015356.
Hereditary breast ovarian cancer syndrome. Also called: Hereditary breast and ovarian cancer syndrome (HBOC); Hereditary breast and ovarian cancer syndrome; Hereditary breast and/or ovarian cancer syndrome; Breast and ovarian cancer; BRCA1- and BRCA2-Associated Hereditary Breast and Ovarian Cancer; Hereditary breast and ovarian cancer. Identifiers: Orphanet 145, MedGen C0677776, MeSH D061325, MONDO:0003582. Disease mechanism: loss of function.
Breast-ovarian cancer, familial, susceptibility to, 2 (BROVCA2). Also called: BRCA2 Hereditary Breast and Ovarian Cancer. Identifiers: Orphanet 145, MedGen C2675520, MONDO:0012933, OMIM 612555. Disease mechanism: loss of function.
Familial cancer of breast. Also called: Hereditary breast cancer; BREAST CANCER, FAMILIAL; hereditary breast carcinoma. Identifiers: Orphanet 227535, MedGen C0346153, MONDO:0016419, OMIM 114480. Disease mechanism: loss of function.

Submissions (11):

Evidence-based Network for the Interpretation of Germline Mutant Alleles (ENIGMA)
Classification: Pathogenic for Breast-ovarian cancer, familial, susceptibility to, 2. Last evaluated: 2016-09-08. Review status: reviewed by expert panel. Criteria: ENIGMA BRCA1/2 Classification Criteria (2015). Collection method: curation. Allele origin: germline.
Comment: Variant allele predicted to encode a truncated non-functional protein.

Ambry Genetics
Classification: Pathogenic for Hereditary cancer-predisposing syndrome. Last evaluated: 2025-12-17. Review status: criteria provided, single submitter. Criteria: Ambry Variant Classification Scheme 2023. Collection method: clinical testing. Allele origin: germline. Not counted in ClinVar's aggregate classification.
Comment: The c.7208_7211delCCAA (p.T2403Kfs*65) alteration, located in exon 14 (coding exon 13) of the BRCA2 gene, consists of a deletion of 4 nucleotides from position 7208 to 7211, causing a translational frameshift with a predicted alternate stop codon after 65 amino acids. This alteration is expected to result in loss of function by premature protein truncation or nonsense-mediated mRNA decay. This variant was not reported in population-based cohorts in the Genome Aggregation Database (gnomAD). This pathogenic variant has been reported in two unrelated Portuguese families affected with breast cancer (Machado, 2007). Based on the available evidence, this alteration is classified as pathogenic.

Labcorp Genetics (formerly Invitae), Labcorp
Classification: Pathogenic for Hereditary breast ovarian cancer syndrome. Last evaluated: 2025-07-23. Review status: criteria provided, single submitter. Criteria: Invitae Variant Classification Sherloc (09022015). Collection method: clinical testing. Allele origin: germline. Not counted in ClinVar's aggregate classification.
Comment: This sequence change creates a premature translational stop signal (p.Thr2403Lysfs*65) in the BRCA2 gene. It is expected to result in an absent or disrupted protein product. Loss-of-function variants in BRCA2 are known to be pathogenic (PMID: 20104584). This variant is present in population databases (rs749736862, gnomAD 0.007%). This premature translational stop signal has been observed in individual(s) with a personal and/or family history of breast and/or ovarian cancer (PMID: 17513806, 22762150). ClinVar contains an entry for this variant (Variation ID: 52287). For these reasons, this variant has been classified as Pathogenic.

Baylor Genetics
Classification: Pathogenic for Familial cancer of breast. Last evaluated: 2024-02-05. Review status: criteria provided, single submitter. Criteria: ACMG Guidelines, 2015. Collection method: clinical testing. Allele origin: unknown. Not counted in ClinVar's aggregate classification.

Quest Diagnostics Nichols Institute San Juan Capistrano
Classification: Pathogenic. Last evaluated: 2023-08-24. Review status: criteria provided, single submitter. Criteria: Quest Diagnostics criteria. Collection method: clinical testing. Allele origin: unknown. Not counted in ClinVar's aggregate classification.
Comment: The BRCA2 c.7208_7211del (p.Thr2403Lysfs*65) variant alters the translational reading frame of the BRCA2 mRNA and causes the premature termination of BRCA2 protein synthesis. This variant has been reported in the published literature in affected individuals affected with breast cancer and in a cohort of BRCA1 and BRCA2 mutation carriers (PMID: 17513806 (2007), 22762150 (2012)). It has also been identified in a breast cancer case in a large scale breast cancer association study (PMID: 33471991 (2021), see also LOVD). This variant has not been reported in large, multi-ethnic general populations (Genome Aggregation Database). Based on the available information, this variant is classified as pathogenic.

Color Diagnostics, LLC DBA Color Health
Classification: Pathogenic for Hereditary cancer-predisposing syndrome. Last evaluated: 2022-05-16. Review status: criteria provided, single submitter. Criteria: ACMG Guidelines, 2015. Collection method: clinical testing. Allele origin: germline. Not counted in ClinVar's aggregate classification.
Comment: This variant deletes 4 nucleotides in exon 14 of the BRCA2 gene, creating a frameshift and premature translation stop signal. This variant is expected to result in an absent or non-functional protein product. This variant has been reported in individuals with a personal or family history of breast or ovarian cancer (PMID: 17513806, 29446198, 33471991; Leiden Open Variation Database DB-ID BRCA2_005141). This variant has not been identified in the general population by the Genome Aggregation Database (gnomAD). Loss of BRCA2 function is a known mechanism of disease. Based on the available evidence, this variant is classified as Pathogenic.

Women's Health and Genetics/Laboratory Corporation of America, LabCorp
Classification: Pathogenic for Hereditary breast ovarian cancer syndrome. Last evaluated: 2021-09-20. Review status: criteria provided, single submitter. Criteria: LabCorp Variant Classification Summary - May 2015. Collection method: clinical testing. Allele origin: germline. Not counted in ClinVar's aggregate classification.
Comment: Variant summary: BRCA2 c.7208_7211delCCAA (p.Thr2403LysfsX63) results in a premature termination codon, predicted to cause a truncation of the encoded protein or absence of the protein due to nonsense mediated decay, which are commonly known mechanisms for disease. Truncations downstream of this position have been classified as pathogenic by our laboratory. The variant was absent in 251320 control chromosomes. c.7208_7211delCCAA has been reported in the literature in individuals affected with Hereditary Breast And Ovarian Cancer Syndrome (Rebbeck_2018, Matejcic_2020, Machado_2007). To our knowledge, no experimental evidence demonstrating an impact on protein function has been reported. Five clinical diagnostic laboratories have submitted clinical-significance assessments for this variant to ClinVar after 2014 without evidence for independent evaluation. All laboratories classified the variant as pathogenic. Based on the evidence outlined above, the variant was classified as pathogenic.

Genetic Services Laboratory, University of Chicago
Classification: Pathogenic. Last evaluated: 2020-01-28. Review status: criteria provided, single submitter. Criteria: ACMG Guidelines, 2015. Collection method: clinical testing. Allele origin: germline. Affected: yes. Not counted in ClinVar's aggregate classification.

Consortium of Investigators of Modifiers of BRCA1/2 (CIMBA), c/o University of Cambridge
Classification: Pathogenic for Breast-ovarian cancer, familial, susceptibility to, 2. Last evaluated: 2015-10-02. Review status: criteria provided, single submitter. Criteria: CIMBA Mutation Classification guidelines May 2016. Collection method: clinical testing. Allele origin: germline. Not counted in ClinVar's aggregate classification.

Sharing Clinical Reports Project (SCRP)
Classification: Pathogenic for Breast-ovarian cancer, familial 2. Last evaluated: 2010-11-17. Review status: no assertion criteria provided. Collection method: clinical testing. Allele origin: germline. Not counted in ClinVar's aggregate classification.

Breast Cancer Information Core (BIC) (BRCA2)
Classification: Pathogenic for Breast-ovarian cancer, familial 2. Last evaluated: 2001-10-29. Review status: no assertion criteria provided. Collection method: clinical testing. Allele origin: germline. Affected: yes. Observed: 1 variant allele. Not counted in ClinVar's aggregate classification.

Literature cited by the submitters: PubMed 20104584 (cited by Labcorp Genetics (formerly Invitae), Labcorp); PubMed 17513806 (cited by 4 submitters); PubMed 22762150 (cited by Labcorp Genetics (formerly Invitae), Labcorp and Quest Diagnostics Nichols Institute San Juan Capistrano); PubMed 32832836 (cited by Quest Diagnostics Nichols Institute San Juan Capistrano and Women's Health and Genetics/Laboratory Corporation of America, LabCorp); PubMed 33471991 (cited by Quest Diagnostics Nichols Institute San Juan Capistrano and Color Diagnostics, LLC DBA Color Health); PubMed 30720243 (cited by Quest Diagnostics Nichols Institute San Juan Capistrano); PubMed 29922827 (cited by Quest Diagnostics Nichols Institute San Juan Capistrano); PubMed 29446198 (cited by Color Diagnostics, LLC DBA Color Health and Women's Health and Genetics/Laboratory Corporation of America, LabCorp).

NM_000059.4(BRCA2):c.7208_7211del (p.Thr2403fs)

Gene: BRCA2 (BRCA2 DNA repair associated; plus strand). Cytogenetic location: 13q13.1.
Variant type: Microsatellite.
Coding change: c.7208_7211del on transcript NM_000059.4 (MANE Select); coding-DNA positions 7208 to 7211, 4 bases deleted (CCAA; older notation c.7208_7211delCCAA).
Protein change: p.Thr2403fs; shifts the reading frame from threonine 2403.
Molecular consequence: frameshift variant.
Genome position (GRCh38, 1-based): chr13:32,355,061-32,355,064, CCAA deleted; deleting any 4 consecutive bases within chr13:32,355,056-32,355,064 gives the same sequence; the c. name uses the placement nearest the transcript's 3' end. VCF-style (leftmost placement, unchanged base first): chr13-32355055-GACCA-G. GRCh37 (hg19) VCF-style: chr13-32929192-GACCA-G.
Other names: 7436del4; c.7208_7211delCCAA (NM_000059.3); short protein forms T2403fs.
Identifiers: ClinVar variation 52287 (VCV000052287.28), dbSNP rs80359641, ClinGen allele CA024961.
Genomic context (GRCh38, chr13:32,355,055, plus strand): 5'-CATTTTATCAAGTTTCTGCTACAAGAAATGAAAAAATGAGACACTTGATTACTACAGGCA[GACCA>G]ACCAAAGTCTTTGTTCCACCTTTTAAAACTAAATCACATTTTCACAGAGTTGAACAGTGT-3'